The following is an entry in ClinVar:

NM_001042492.3(NF1):c.7306G>C (p.Val2436Leu)

Gene: NF1 (neurofibromin 1; plus strand). Cytogenetic location: 17q11.2.
Variant type: single nucleotide variant.
Coding change: c.7306G>C on transcript NM_001042492.3 (MANE Select); coding-DNA position 7306, G replaced by C.
Protein change: p.Val2436Leu; replaces valine 2436 with leucine.
Molecular consequence: missense variant.
Genome position (GRCh38, 1-based): chr17:31,349,236, G>C. VCF-style: chr17-31349236-G-C. GRCh37 (hg19) VCF-style: chr17-29676254-G-C.
Other names: c.7243G>C, p.Val2415Leu (NM_000267.4); short protein forms V2415L, V2436L.
Identifiers: ClinVar variation 854442 (VCV000854442.6), dbSNP rs876659856, ClinGen allele CA399016900.

ClinVar aggregate classification (germline): Uncertain significance (1 of 4 stars; one submission).

Conditions:
Neurofibromatosis, type 1 (NF1). Also called: Neurofibromatosis, type I; VON RECKLINGHAUSEN DISEASE; Peripheral type neurofibromatosis; NEUROFIBROMATOSIS, TYPE I, SOMATIC. Identifiers: Orphanet 636, MedGen C0027831, MONDO:0018975, OMIM 162200. Disease mechanism: loss of function.

Submission:

Labcorp Genetics (formerly Invitae), Labcorp
Classification: Uncertain significance for Neurofibromatosis, type 1. Last evaluated: 2019-05-10. Review status: criteria provided, single submitter. Criteria: Invitae Variant Classification Sherloc (09022015). Collection method: clinical testing. Allele origin: germline.
Comment: This sequence change replaces valine with leucine at codon 2415 of the NF1 protein (p.Val2415Leu). The valine residue is moderately conserved and there is a small physicochemical difference between valine and leucine. This variant is not present in population databases (ExAC no frequency). This variant has not been reported in the literature in individuals with NF1-related conditions. Algorithms developed to predict the effect of missense changes on protein structure and function are either unavailable or do not agree on the potential impact of this missense change (SIFT: "Deleterious"; PolyPhen-2: "Possibly Damaging"; Align-GVGD: "Class C0"). In summary, the available evidence is currently insufficient to determine the role of this variant in disease. Therefore, it has been classified as a Variant of Uncertain Significance.